The following is an entry in ClinVar:

ClinVar aggregate classification (germline): Pathogenic (1 of 4 stars; one submission).

Conditions:
ALG9 congenital disorder of glycosylation (CDG1L). Also called: CONGENITAL DISORDER OF GLYCOSYLATION, TYPE Il; ALG9-CDG; CDG Il. Identifiers: Orphanet 79328, MedGen C2931006, MONDO:0012117, OMIM 608776.

Allele frequency attached by ClinVar (database versions not stated): gnomAD exomes below 0.00001.

Submission:

Labcorp Genetics (formerly Invitae), Labcorp
Classification: Pathogenic for ALG9 congenital disorder of glycosylation. Last evaluated: 2022-09-02. Review status: criteria provided, single submitter. Criteria: Invitae Variant Classification Sherloc (09022015). Collection method: clinical testing. Allele origin: germline.
Comment: For these reasons, this variant has been classified as Pathogenic. Algorithms developed to predict the effect of sequence changes on RNA splicing suggest that this variant may disrupt the consensus splice site. This premature translational stop signal has been observed in individual(s) with clinical features of ATP6V0A2-associated cutis laxa (PMID: 19321599). This variant is not present in population databases (gnomAD no frequency). This sequence change creates a premature translational stop signal (p.Leu672*) in the ATP6V0A2 gene. It is expected to result in an absent or disrupted protein product. Loss-of-function variants in ATP6V0A2 are known to be pathogenic (PMID: 18157129, 19321599).

Literature cited by the submitters: PubMed 19321599; PubMed 18157129.

NM_012463.4(ATP6V0A2):c.2015T>A (p.Leu672Ter)

Gene: ATP6V0A2 (ATPase H+ transporting V0 subunit a2; plus strand). Cytogenetic location: 12q24.31.
Variant type: single nucleotide variant.
Coding change: c.2015T>A on transcript NM_012463.4 (MANE Select); coding-DNA position 2015, T replaced by A.
Protein change: p.Leu672Ter; replaces leucine 672 with a stop codon.
Molecular consequence: nonsense.
Genome position (GRCh38, 1-based): chr12:123,751,189, T>A. VCF-style: chr12-123751189-T-A. GRCh37 (hg19) VCF-style: chr12-124235736-T-A.
Other names: short protein forms L672*.
Identifiers: ClinVar variation 2137449 (VCV002137449.4), dbSNP rs2541871623, ClinGen allele CA387163033.